The following is an entry in ClinVar:

NM_001034853.2(RPGR):c.2774_2776del (p.Gly925del)

Gene: RPGR (retinitis pigmentosa GTPase regulator; minus strand). Cytogenetic location: Xp11.4.
Variant type: Deletion.
Coding change: c.2774_2776del on transcript NM_001034853.2 (MANE Select); coding-DNA positions 2774 to 2776, 3 bases deleted (GAG; older notation c.2774_2776delGAG).
Protein change: p.Gly925del; deletes glycine 925.
Molecular consequence: inframe deletion. On other transcripts: intron variant (8).
Genome position (GRCh38, 1-based): chrX:38,286,223-38,286,225, CTC deleted on the plus strand (GAG on the coding strand, the reverse complement: RPGR is on the minus strand); deleting any 3 consecutive bases within chrX:38,286,223-38,286,227 gives the same sequence; the c. name uses the placement nearest the transcript's 3' end. VCF-style (leftmost placement, unchanged base first): chrX-38286222-TCTC-T. GRCh37 (hg19) VCF-style: chrX-38145475-TCTC-T.
Other names: c.1569+4734_1569+4736del (NM_001367249.1, NM_001367250.1); c.1902+869_1902+871del (NM_001367245.1); c.1386+4734_1386+4736del (NM_001367251.1); c.1719+869_1719+871del (NM_001367246.1); c.1572+4734_1572+4736del (NM_001367247.1); c.1905+869_1905+871del (NM_000328.3); c.1602+4734_1602+4736del (NM_001367248.1); c.2774_2776delGAG (NM_001034853.1); short protein forms G925del.
Identifiers: ClinVar variation 2182969 (VCV002182969.4), dbSNP rs1348292879, ClinGen allele CA640957201.

ClinVar aggregate classification (germline): Conflicting classifications of pathogenicity. Review status: criteria provided, conflicting classifications (1 of 4 stars). 2 submissions from 2 submitters: Uncertain significance (1); Likely benign (1). Last evaluated 2026-09-08.

Conditions:
Primary ciliary dyskinesia. Also called: Ciliary dyskinesia. Identifiers: Orphanet 244, MedGen C0008780, MONDO:0016575, HP:0012265.
RPGR-related disorder. Also called: RPGR-related condition.

Submissions (2):

PreventionGenetics, part of Exact Sciences
Classification: Likely benign for RPGR-related condition. Last evaluated: 2026-09-08. Review status: criteria provided, single submitter. Criteria: ACMG Guidelines, 2015. Collection method: clinical testing. Allele origin: germline.
Comment: This variant is classified as likely benign based on ACMG/AMP sequence variant interpretation guidelines (Richards et al. 2015 PMID: 25741868, with internal and published modifications).

Labcorp Genetics (formerly Invitae), Labcorp
Classification: Uncertain significance for Primary ciliary dyskinesia. Last evaluated: 2024-10-15. Review status: criteria provided, single submitter. Criteria: Invitae Variant Classification Sherloc (09022015). Collection method: clinical testing. Allele origin: germline.
Comment: This variant, c.2774_2776del, results in the deletion of 1 amino acid(s) of the RPGR (ORF15) protein (p.Gly925del), but otherwise preserves the integrity of the reading frame. The frequency data for this variant in the population databases is considered unreliable, as metrics indicate poor data quality at this position in the gnomAD database. This variant has not been reported in the literature in individuals affected with RPGR (ORF15)-related conditions. ClinVar contains an entry for this variant (Variation ID: 2182969). Experimental studies and prediction algorithms are not available or were not evaluated, and the functional significance of this variant is currently unknown. In summary, the available evidence is currently insufficient to determine the role of this variant in disease. Therefore, it has been classified as a Variant of Uncertain Significance.